The following is an entry in ClinVar:

ClinVar aggregate classification (germline): Likely pathogenic (1 of 4 stars; one submission).

Conditions:
Snijders blok-fisher syndrome. Identifiers: Orphanet 656135, MedGen C5231424, MONDO:0032830, OMIM 618604.

Submission:

Gansu Provincial Maternity and Child Care Hospital
Classification: Likely pathogenic for Snijders blok-fisher syndrome. Last evaluated: 2026-06-02. Review status: criteria provided, single submitter. Criteria: ACMG Guidelines, 2015. Collection method: clinical testing. Allele origin: de novo. Inheritance: Autosomal dominant inheritance. Affected: yes.
Comment: The c.1363T>C variant is a missense variant. Parental verification confirmed it as a de novo variant (PS2). This site is not recorded in the gnomAD database (PM2_supporting).Multiple in silico tools predicted a deleterious effect (PP3).This variant is classified as Likely pathogenic.

NM_006236.3(POU3F3):c.1363T>C (p.Cys455Arg)

Gene: POU3F3 (POU class 3 homeobox 3; plus strand). Cytogenetic location: 2q12.1.
Variant type: single nucleotide variant.
Coding change: c.1363T>C on transcript NM_006236.3 (MANE Select); coding-DNA position 1363, T replaced by C.
Protein change: p.Cys455Arg; replaces cysteine 455 with arginine.
Molecular consequence: missense variant.
Genome position (GRCh38, 1-based): chr2:104,856,873, T>C. VCF-style: chr2-104856873-T-C. GRCh37 (hg19) VCF-style: chr2-105473331-T-C.
Other names: c.1363T>C, p.Cys455Arg (NM_001433704.1); short protein forms C455R.
Identifiers: ClinVar variation 4856403 (VCV004856403.1).